The following is an entry in ClinVar:

ClinVar aggregate classification (germline): Uncertain significance. Review status: criteria provided, multiple submitters, no conflicts (2 of 4 stars). 2 submissions from 2 submitters: Uncertain significance (2). Last evaluated 2025-12-15.

Conditions:
Myoclonic dystonia 11 (DYT11). Also called: SGCE Myoclonus-Dystonia; Myoclonus-Dystonia; DYT-SGCE; Myoclonic dystonia; Dystonia 11; Dystonia, alcohol responsive. Identifiers: Orphanet 36899, MedGen C1834570, MONDO:0008044, OMIM 159900.
Inborn genetic diseases. Identifiers: MedGen C0950123, MeSH D030342.

Allele frequency attached by ClinVar (database versions not stated): gnomAD 0.00001; gnomAD exomes 0.00001; TOPMed 0.00001; ESP Exome Variant Server 0.00008; ExAC 0.00001.
gnomAD v4.1: 9 of 1,613,836 alleles (0.00056%); highest among the groups gnomAD compares: Admixed American, 0.0033%; no homozygotes.

Submissions (2):

Ambry Genetics
Classification: Uncertain significance for Inborn genetic diseases. Last evaluated: 2025-12-15. Review status: criteria provided, single submitter. Criteria: Ambry Variant Classification Scheme 2023. Collection method: clinical testing. Allele origin: germline.

Labcorp Genetics (formerly Invitae), Labcorp
Classification: Uncertain significance for Myoclonic dystonia 11. Last evaluated: 2022-11-14. Review status: criteria provided, single submitter. Criteria: Invitae Variant Classification Sherloc (09022015). Collection method: clinical testing. Allele origin: germline.
Comment: In summary, the available evidence is currently insufficient to determine the role of this variant in disease. Therefore, it has been classified as a Variant of Uncertain Significance. Advanced modeling of protein sequence and biophysical properties (such as structural, functional, and spatial information, amino acid conservation, physicochemical variation, residue mobility, and thermodynamic stability) performed at Invitae indicates that this missense variant is not expected to disrupt SGCE protein function. This variant has not been reported in the literature in individuals affected with SGCE-related conditions. This variant is present in population databases (rs143839858, gnomAD 0.003%). This sequence change replaces arginine, which is basic and polar, with cysteine, which is neutral and slightly polar, at codon 195 of the SGCE protein (p.Arg195Cys).

NM_003919.3(SGCE):c.583C>T (p.Arg195Cys)

Genes: CASD1 (CAS1 domain sialic acid O acetyltransferase 1; plus strand), SGCE (sarcoglycan epsilon; minus strand). Cytogenetic location: 7q21.3.
Variant type: single nucleotide variant.
Coding change: c.583C>T on transcript NM_003919.3 (MANE Select); coding-DNA position 583, C replaced by T.
Protein change: p.Arg195Cys; replaces arginine 195 with cysteine.
Molecular consequence: missense variant.
Genome position (GRCh38, 1-based): chr7:94,618,837, G>A on the plus strand (C>T on the coding strand, the complement: SGCE is on the minus strand). VCF-style: chr7-94618837-G-A. GRCh37 (hg19) VCF-style: chr7-94248149-G-A.
Other names: c.583C>T, p.Arg195Cys (NM_001099400.2, NM_001099401.2, NM_001346717.2); c.460C>T, p.Arg154Cys (NM_001301139.2, NM_001362809.2); c.691C>T, p.Arg231Cys (NM_001346713.2, NM_001346715.2); c.496C>T, p.Arg166Cys (NM_001346719.2, NM_001362807.2); c.310C>T, p.Arg104Cys (NM_001346720.2, NM_001362808.2); c.583C>T (NM_003919.2); short protein forms R104C, R166C, R154C, R195C, R231C.
Identifiers: ClinVar variation 1901229 (VCV001901229.6), dbSNP rs143839858, ClinGen allele CA4348766.